The following is an entry in ClinVar:

NM_002473.6(MYH9):c.3755C>T (p.Ala1252Val)

Gene: MYH9 (myosin heavy chain 9; minus strand). Cytogenetic location: 22q12.3.
Variant type: single nucleotide variant.
Coding change: c.3755C>T on transcript NM_002473.6 (MANE Select); coding-DNA position 3755, C replaced by T.
Protein change: p.Ala1252Val; replaces alanine 1252 with valine.
Molecular consequence: missense variant.
Genome position (GRCh38, 1-based): chr22:36,294,174, G>A on the plus strand (C>T on the coding strand, the complement: MYH9 is on the minus strand). VCF-style: chr22-36294174-G-A. GRCh37 (hg19) VCF-style: chr22-36690220-G-A.
Other names: c.3755C>T (NM_002473.4); short protein forms A1252V.
Identifiers: ClinVar variation 2977470 (VCV002977470.5), dbSNP rs759187934, ClinGen allele CA10209578.

ClinVar aggregate classification (germline): Conflicting classifications of pathogenicity. Review status: criteria provided, conflicting classifications (1 of 4 stars). 3 submissions from 3 submitters: Uncertain significance (2); Likely benign (1). Last evaluated 2025-01-20.

Conditions:
Autosomal dominant nonsyndromic hearing loss 17. Also called: Deafness, autosomal dominant 17; Autosomal dominant nonsyndromic deafness 17. Identifiers: Orphanet 90635, MedGen C1863659, MONDO:0011350, OMIM 603622.
Macrothrombocytopenia and granulocyte inclusions with or without nephritis or sensorineural hearing loss (MATINS). Also called: BLEEDING DISORDER, PLATELET-TYPE, 6; MAY-HEGGLIN ANOMALY; SEBASTIAN PLATELET SYNDROME; MACROTHROMBOCYTOPENIA WITH DISPERSED LEUKOCYTIC INCLUSIONS; MACROTHROMBOCYTOPENIA, NEPHRITIS, AND DEAFNESS; MACROTHROMBOCYTOPENIA, NEPHRITIS, DEAFNESS, AND LEUKOCYTE INCLUSIONS. Identifiers: Orphanet 182050, MedGen C5200934, MONDO:0015912, OMIM 155100.

Allele frequency attached by ClinVar (database versions not stated): gnomAD 0.00001; gnomAD exomes 0.00001; ExAC 0.00002; TOPMed 0.00002.
gnomAD v4.1: 18 of 1,613,502 alleles (0.0011%); highest among the groups gnomAD compares: East Asian, 0.0067%; no homozygotes.

Submissions (3):

Labcorp Genetics (formerly Invitae), Labcorp
Classification: Likely benign. Last evaluated: 2025-01-20. Review status: criteria provided, single submitter. Criteria: Invitae Variant Classification Sherloc (09022015). Collection method: clinical testing. Allele origin: germline.

Fulgent Genetics
Classification: Uncertain significance for Macrothrombocytopenia and granulocyte inclusions with or without nephritis or sensorineural hearing loss; Autosomal dominant nonsyndromic hearing loss 17. Last evaluated: 2024-03-25. Review status: criteria provided, single submitter. Criteria: ACMG Guidelines, 2015. Collection method: clinical testing. Allele origin: germline.

GeneDx
Classification: Uncertain significance. Last evaluated: 2023-06-01. Review status: criteria provided, single submitter. Criteria: GeneDx Variant Classification Process June 2021. Collection method: clinical testing. Allele origin: germline. Affected: yes.
Comment: In silico analysis supports that this missense variant does not alter protein structure/function; Has not been previously published as pathogenic or benign to our knowledge